The following is an entry in ClinVar:

NM_001377295.2(GNAT2):c.546G>A (p.Thr182=)

Gene: GNAT2 (G protein subunit alpha transducin 2; minus strand). Cytogenetic location: 1p13.3.
Variant type: single nucleotide variant.
Coding change: c.546G>A on transcript NM_001377295.2 (MANE Select); coding-DNA position 546, G replaced by A.
Protein change: p.Thr182=; no amino-acid change (threonine 182 retained).
Molecular consequence: synonymous variant.
Genome position (GRCh38, 1-based): chr1:109,606,352, C>T on the plus strand (G>A on the coding strand, the complement: GNAT2 is on the minus strand). VCF-style: chr1-109606352-C-T. GRCh37 (hg19) VCF-style: chr1-110148974-C-T.
Other names: c.546G>A, p.Thr182= (NM_001379232.1, NM_005272.5).
Identifiers: ClinVar variation 259744 (VCV000259744.17), dbSNP rs1799875, ClinGen allele CA992395.

ClinVar aggregate classification (germline): Benign. Review status: criteria provided, multiple submitters, no conflicts (2 of 4 stars). 6 submissions from 6 submitters: Benign (6). Last evaluated 2026-02-03.

Conditions:
Achromatopsia 4 (ACHM4). Identifiers: Orphanet 49382, MedGen C1841721, MONDO:0013465, OMIM 613856.

Allele frequency attached by ClinVar (database versions not stated): ESP Exome Variant Server 0.33062; gnomAD 0.35862 and 0.36802; TOPMed 0.36310; 1000 Genomes Project 30x 0.37289; 1000 Genomes Project 0.37859; ExAC 0.44904; gnomAD exomes 0.46497.
gnomAD v4.1: 704,822 of 1,609,972 alleles (44%); highest among the groups gnomAD compares: East Asian, 66%; 162,031 homozygotes.

Submissions (6):

Labcorp Genetics (formerly Invitae), Labcorp
Classification: Benign. Last evaluated: 2026-02-03. Review status: criteria provided, single submitter. Criteria: Invitae Variant Classification Sherloc (09022015). Collection method: clinical testing. Allele origin: germline.

Blueprint Genetics
Classification: Benign. Last evaluated: 2024-11-26. Review status: criteria provided, single submitter. Criteria: ACMG Guidelines, 2015. Collection method: clinical testing. Allele origin: germline.

Genome-Nilou Lab
Classification: Benign for Achromatopsia 4. Last evaluated: 2021-08-10. Review status: criteria provided, single submitter. Criteria: ACMG Guidelines, 2015. Collection method: clinical testing. Allele origin: germline. Affected: no.

Illumina Laboratory Services, Illumina
Classification: Benign for Achromatopsia 4. Last evaluated: 2018-01-12. Review status: criteria provided, single submitter. Criteria: ICSL Variant Classification Criteria 13 December 2019. Collection method: clinical testing. Allele origin: germline.
Comment: This variant was observed in the ICSL laboratory as part of a predisposition screen in an ostensibly healthy population. It had not been previously curated by ICSL or reported in the Human Gene Mutation Database (HGMD: prior to June 1st, 2018), and was therefore a candidate for classification through an automated scoring system. Utilizing variant allele frequency, disease prevalence and penetrance estimates, and inheritance mode, an automated score was calculated to assess if this variant is too frequent to cause the disease. Based on the score and internal cut-off values, a variant classified as benign is not then subjected to further curation. The score for this variant resulted in a classification of benign for this disease.

Breakthrough Genomics
Classification: Benign. Review status: criteria provided, single submitter. Criteria: ACMG Guidelines, 2015. Collection method: not provided. Allele origin: germline. Inheritance: Unknown mechanism. Affected: yes.

PreventionGenetics, part of Exact Sciences
Classification: Benign. Review status: criteria provided, single submitter. Criteria: ACMG Guidelines, 2015. Collection method: clinical testing. Allele origin: germline.